The following is an entry in ClinVar:

NM_001321120.2(TBX4):c.1001A>G (p.Tyr334Cys)

Gene: TBX4 (T-box transcription factor 4; plus strand). Cytogenetic location: 17q23.2.
Variant type: single nucleotide variant.
Coding change: c.1001A>G on transcript NM_001321120.2 (MANE Select); coding-DNA position 1001, A replaced by G.
Protein change: p.Tyr334Cys; replaces tyrosine 334 with cysteine.
Molecular consequence: missense variant.
Genome position (GRCh38, 1-based): chr17:61,480,299, A>G. VCF-style: chr17-61480299-A-G. GRCh37 (hg19) VCF-style: chr17-59557660-A-G.
Other names: c.1001A>G, p.Tyr334Cys (NM_018488.3); short protein forms Y334C.
Identifiers: ClinVar variation 3670653 (VCV003670653.2).

ClinVar aggregate classification (germline): Uncertain significance (1 of 4 stars; one submission).

gnomAD v4.1: 6 of 1,613,686 alleles (0.00037%); highest among the groups gnomAD compares: Admixed American, 0.0067%; no homozygotes.

Submission:

Labcorp Genetics (formerly Invitae), Labcorp
Classification: Uncertain significance. Last evaluated: 2025-01-19. Review status: criteria provided, single submitter. Criteria: Invitae Variant Classification Sherloc (09022015). Collection method: clinical testing. Allele origin: germline.
Comment: This sequence change replaces tyrosine, which is neutral and polar, with cysteine, which is neutral and slightly polar, at codon 334 of the TBX4 protein (p.Tyr334Cys). This variant is present in population databases (no rsID available, gnomAD 0.01%). This variant has not been reported in the literature in individuals affected with TBX4-related conditions. Invitae Evidence Modeling of protein sequence and biophysical properties (such as structural, functional, and spatial information, amino acid conservation, physicochemical variation, residue mobility, and thermodynamic stability) indicates that this missense variant is not expected to disrupt TBX4 protein function with a negative predictive value of 95%. In summary, the available evidence is currently insufficient to determine the role of this variant in disease. Therefore, it has been classified as a Variant of Uncertain Significance.